The following is an entry in ClinVar:

ClinVar aggregate classification (germline): Uncertain significance (1 of 4 stars; one submission).

Conditions:
Perry syndrome. Also called: PARKINSONISM WITH ALVEOLAR HYPOVENTILATION AND MENTAL DEPRESSION. Identifiers: Orphanet 178509, MedGen C1868594, MONDO:0008201, OMIM 168605.
Neuronopathy, distal hereditary motor, type 7B. Also called: HMN VIIB; LOWER MOTOR NEURON DISEASE, DYNACTIN TYPE; Distal Hereditary Motor Neuronopathy Type 7B (dHMN7B); NEURONOPATHY, DISTAL HEREDITARY MOTOR, AUTOSOMAL DOMINANT 14; NEURONOPATHY, DISTAL HEREDITARY MOTOR, HARDING TYPE VIIB; NEUROPATHY, DISTAL HEREDITARY MOTOR, HARDING TYPE VIIB. Identifiers: Orphanet 139589, MedGen C1843315, MONDO:0011879, OMIM 607641.
Amyotrophic lateral sclerosis type 1 (ALS1). Also called: AMYOTROPHIC LATERAL SCLEROSIS 1, FAMILIAL. Identifiers: Orphanet 803, MedGen C1862939, MONDO:0007103, OMIM 105400.

Submission:

Labcorp Genetics (formerly Invitae), Labcorp
Classification: Uncertain significance for Amyotrophic lateral sclerosis type 1; Neuronopathy, distal hereditary motor, type 7B; Perry syndrome. Last evaluated: 2022-04-04. Review status: criteria provided, single submitter. Criteria: Invitae Variant Classification Sherloc (09022015). Collection method: clinical testing. Allele origin: germline.
Comment: This sequence change replaces glutamic acid, which is acidic and polar, with glutamine, which is neutral and polar, at codon 638 of the DCTN1 protein (p.Glu638Gln). This variant is not present in population databases (gnomAD no frequency). This variant has not been reported in the literature in individuals affected with DCTN1-related conditions. Algorithms developed to predict the effect of missense changes on protein structure and function are either unavailable or do not agree on the potential impact of this missense change (SIFT: "Deleterious"; PolyPhen-2: "Benign"; Align-GVGD: "Class C0"). In summary, the available evidence is currently insufficient to determine the role of this variant in disease. Therefore, it has been classified as a Variant of Uncertain Significance.

NM_004082.5(DCTN1):c.1912G>C (p.Glu638Gln)

Gene: DCTN1 (dynactin subunit 1; minus strand). Cytogenetic location: 2p13.1.
Variant type: single nucleotide variant.
Coding change: c.1912G>C on transcript NM_004082.5 (MANE Select); coding-DNA position 1912, G replaced by C.
Protein change: p.Glu638Gln; replaces glutamic acid 638 with glutamine.
Molecular consequence: missense variant. On other transcripts: non-coding transcript variant (1).
Genome position (GRCh38, 1-based): chr2:74,368,074, C>G on the plus strand (G>C on the coding strand, the complement: DCTN1 is on the minus strand). VCF-style: chr2-74368074-C-G. GRCh37 (hg19) VCF-style: chr2-74595201-C-G.
Other names: c.1852G>C, p.Glu618Gln (NM_001135040.3); c.1510G>C, p.Glu504Gln (NM_001135041.3, NM_023019.4); c.1801G>C, p.Glu601Gln (NM_001190836.2); c.1891G>C, p.Glu631Gln (NM_001190837.2); c.1861G>C, p.Glu621Gln (NM_001378991.1); c.1843G>C, p.Glu615Gln (NM_001378992.1); short protein forms E621Q, E638Q, E504Q, E618Q, E601Q, E615Q, E631Q.
Identifiers: ClinVar variation 1905796 (VCV001905796.5), dbSNP rs1490511640, ClinGen allele CA347352389.